The following is an entry in ClinVar:

ClinVar aggregate classification (germline): Uncertain significance. Review status: criteria provided, multiple submitters, no conflicts (2 of 4 stars). 2 submissions from 2 submitters: Uncertain significance (2). Last evaluated 2024-05-20.

Conditions:
Fanconi anemia complementation group O. Also called: RAD51C-Related Fanconi Anemia. Identifiers: Orphanet 84, MedGen C3150653, MONDO:0013248, OMIM 613390.

Submissions (2):

GeneDx
Classification: Uncertain significance. Last evaluated: 2024-05-20. Review status: criteria provided, single submitter. Criteria: GeneDx Variant Classification Process June 2021. Collection method: clinical testing. Allele origin: germline. Affected: yes.
Comment: Not observed at significant frequency in large population cohorts (gnomAD); In silico analysis supports that this missense variant has a deleterious effect on protein structure/function; Has not been previously published as pathogenic or benign to our knowledge; This variant is associated with the following publications: (PMID: 14704354)

Labcorp Genetics (formerly Invitae), Labcorp
Classification: Uncertain significance for Fanconi anemia complementation group O. Last evaluated: 2024-04-09. Review status: criteria provided, single submitter. Criteria: Invitae Variant Classification Sherloc (09022015). Collection method: clinical testing. Allele origin: germline.
Comment: This sequence change replaces valine, which is neutral and non-polar, with phenylalanine, which is neutral and non-polar, at codon 236 of the RAD51C protein (p.Val236Phe). This variant is not present in population databases (gnomAD no frequency). This variant has not been reported in the literature in individuals affected with RAD51C-related conditions. ClinVar contains an entry for this variant (Variation ID: 1374153). An algorithm developed to predict the effect of missense changes on protein structure and function (PolyPhen-2) suggests that this variant is likely to be disruptive. RNA analysis performed to evaluate the impact of this missense change on mRNA splicing indicates it does not significantly alter splicing (Invitae). In summary, the available evidence is currently insufficient to determine the role of this variant in disease. Therefore, it has been classified as a Variant of Uncertain Significance.

NM_058216.3(RAD51C):c.706G>T (p.Val236Phe)

Gene: RAD51C (RAD51 paralog C; plus strand). Cytogenetic location: 17q22.
Variant type: single nucleotide variant.
Coding change: c.706G>T on transcript NM_058216.3 (MANE Select); coding-DNA position 706, G replaced by T.
Protein change: p.Val236Phe; replaces valine 236 with phenylalanine.
Molecular consequence: missense variant. On other transcripts: non-coding transcript variant (1).
Genome position (GRCh38, 1-based): chr17:58,709,859, G>T. VCF-style: chr17-58709859-G-T. GRCh37 (hg19) VCF-style: chr17-56787220-G-T.
Other names: c.706G>T (NM_058216.1); short protein forms V236F.
Identifiers: ClinVar variation 1374153 (VCV001374153.7), dbSNP rs2143849926, ClinGen allele CA400353060.